The following is an entry in ClinVar:

NM_000152.5(GAA):c.1636+43G>T

Gene: GAA (alpha glucosidase; plus strand). Cytogenetic location: 17q25.3.
Variant type: single nucleotide variant.
Coding change: c.1636+43G>T on transcript NM_000152.5 (MANE Select); 43 bases into the intron after coding-DNA position 1636, G replaced by T.
Molecular consequence: intron variant.
Genome position (GRCh38, 1-based): chr17:80,111,068, G>T. VCF-style: chr17-80111068-G-T. GRCh37 (hg19) VCF-style: chr17-78084867-G-T.
Other names: c.1636+43G>T (LRG_673t1, NM_001079803.3, NM_001079804.3).
Identifiers: ClinVar variation 255355 (VCV000255355.7), dbSNP rs2304842, ClinGen allele CA8815409.
Genomic context (GRCh38, chr17:80,111,068, plus strand): 5'-ACCCACCCTACGTGCCTGGTCAGCTCGCCCCCCACCTACCCTGGGGACTTAATCAAATCA[G>T]AGACTCCCTTGTCTGGCCTGGGAGACTTAGCACCCTCATCTCTGAGAAGCAGATGGGCCA-3'

ClinVar aggregate classification (germline): Benign. Review status: criteria provided, multiple submitters, no conflicts (2 of 4 stars). 4 submissions from 4 submitters: Benign (4). Last evaluated 2026-07-01.

Conditions:
Glycogen storage disease, type II (IOPD). Also called: CARDIOMEGALIA GLYCOGENICA DIFFUSA; GLYCOGEN STORAGE DISEASE II, INFANTILE-ONSET; POMPE DISEASE, INFANTILE-ONSET; ACID ALPHA-GLUCOSIDASE DEFICIENCY, INFANTILE-ONSET; GAA DEFICIENCY, INFANTILE-ONSET; ACID MALTASE DEFICIENCY, INFANTILE-ONSET. Identifiers: Orphanet 365, MedGen C0017921, MONDO:0009290, OMIM 232300.

Allele frequency attached by ClinVar (database versions not stated): gnomAD exomes 0.02899 and 0.04964; ESP Exome Variant Server 0.05392; ExAC 0.05656; gnomAD 0.05728 and 0.05977; TOPMed 0.05937; 1000 Genomes Project 0.10164; 1000 Genomes Project 30x 0.10275.
gnomAD v4.1: 50,803 of 1,580,600 alleles (3.2%); highest among the groups gnomAD compares: African/African-American, 14%; 2,378 homozygotes.

Submissions (4):

Genomenon, Inc
Classification: Benign for Glycogen storage disease, type II. Last evaluated: 2026-07-01. Review status: criteria provided, single submitter. Criteria: Genomenon Sequence Variant Interpretation Standards - Updated. Collection method: curation. Allele origin: germline. Affected: no.
Comment: GAA c.1636+43G>T is an intronic variant located in intron 11. This variant is present at high allele frequency in population databases. We classify GAA c.1636+43G>T as a benign variant.

Genome-Nilou Lab
Classification: Benign for Glycogen storage disease, type II. Last evaluated: 2021-07-08. Review status: criteria provided, single submitter. Criteria: ACMG Guidelines, 2015. Collection method: clinical testing. Allele origin: germline. Affected: no.

Breakthrough Genomics
Classification: Benign. Review status: criteria provided, single submitter. Criteria: ACMG Guidelines, 2015. Collection method: not provided. Allele origin: germline. Inheritance: Autosomal recessive inheritance. Affected: yes.

PreventionGenetics, part of Exact Sciences
Classification: Benign. Review status: criteria provided, single submitter. Criteria: ACMG Guidelines, 2015. Collection method: clinical testing. Allele origin: germline.